The following is an entry in ClinVar:

NM_024548.4(CEP97):c.1310A>T (p.Asp437Val)

Gene: CEP97 (centrosomal protein 97; plus strand). Cytogenetic location: 3q12.3.
Variant type: single nucleotide variant.
Coding change: c.1310A>T on transcript NM_024548.4 (MANE Select); coding-DNA position 1310, A replaced by T.
Protein change: p.Asp437Val; replaces aspartic acid 437 with valine.
Molecular consequence: missense variant.
Genome position (GRCh38, 1-based): chr3:101,757,916, A>T. VCF-style: chr3-101757916-A-T. GRCh37 (hg19) VCF-style: chr3-101476760-A-T.
Other names: c.1133A>T, p.Asp378Val (NM_001303401.2); c.1208A>T, p.Asp403Val (NM_001410784.1); c.1031A>T, p.Asp344Val (NM_001410785.1); short protein forms D403V, D437V, D344V, D378V.
Identifiers: ClinVar variation 1981472 (VCV001981472.4), dbSNP rs368952768, ClinGen allele CA2522107.

ClinVar aggregate classification (germline): Uncertain significance (1 of 4 stars; one submission).

Allele frequency attached by ClinVar (database versions not stated): TOPMed below 0.00001; ExAC 0.00007.
gnomAD v4.1: 39 of 1,614,258 alleles (0.0024%); highest among the groups gnomAD compares: South Asian, 0.037%; no homozygotes.

Submission:

Labcorp Genetics (formerly Invitae), Labcorp
Classification: Uncertain significance. Last evaluated: 2022-09-26. Review status: criteria provided, single submitter. Criteria: Invitae Variant Classification Sherloc (09022015). Collection method: clinical testing. Allele origin: germline.
Comment: This sequence change replaces aspartic acid, which is acidic and polar, with valine, which is neutral and non-polar, at codon 437 of the CEP97 protein (p.Asp437Val). This variant is present in population databases (rs368952768, gnomAD 0.06%). This variant has not been reported in the literature in individuals affected with CEP97-related conditions. Advanced modeling of protein sequence and biophysical properties (such as structural, functional, and spatial information, amino acid conservation, physicochemical variation, residue mobility, and thermodynamic stability) performed at Invitae indicates that this missense variant is not expected to disrupt CEP97 protein function. In summary, the available evidence is currently insufficient to determine the role of this variant in disease. Therefore, it has been classified as a Variant of Uncertain Significance.